The following is an entry in ClinVar:

ClinVar aggregate classification (germline): Uncertain significance. Review status: criteria provided, multiple submitters, no conflicts (2 of 4 stars). 3 submissions from 3 submitters: Uncertain significance (3). Last evaluated 2026-08-12.

Conditions:
Complex cortical dysplasia with other brain malformations 3. Identifiers: MedGen C3809414, MONDO:0014170, OMIM 615411.

Submissions (3):

Broad Center for Mendelian Genomics, Broad Institute of MIT and Harvard
Classification: Uncertain significance for Complex cortical dysplasia with other brain malformations 3. Last evaluated: 2026-08-12. Review status: criteria provided, single submitter. Criteria: ACMG Guidelines, 2015. Collection method: research. Allele origin: germline. Inheritance: Autosomal dominant inheritance. Study: GREGoR Consortium.
Comment: Trio genome analysis showed this variant to be de novo. The p.Lys319Arg variant in KIF2A has not been previously reported in the literature in individuals with failure to thrive, hypotonia, global developmental delay, and seizures or complex cortical dysplasia and brain malformations, and was absent from large population studies. This variant has been reported in ClinVar (Variation ID: 2115385) and has been interpreted as a variant of uncertain significance by GeneDx and Labcorp Genetics (formerly Invitae). Computational prediction tools and conservation analyses suggest that this variant may impact the protein, though this information is not predictive enough to determine pathogenicity. Multiple variants in the same region as p.Lys319Arg have been reported in association with disease in ClinVar, suggesting that this variant is in a hot spot and slightly supporting pathogenicity (Variation ID: 584429, 65401, 435642, 65400). In summary, while there is some suspicion for a pathogenic role, the clinical significance of this variant is uncertain. ACMG/AMP Criteria applied: ACMG/AMP Criteria applied: PP3_moderate, PM1_supporting, PM2_supporting, PS2_supporting (Richards 2015).

GeneDx
Classification: Uncertain significance. Last evaluated: 2024-12-26. Review status: criteria provided, single submitter. Criteria: GeneDx Variant Classification Process June 2021. Collection method: clinical testing. Allele origin: germline. Affected: yes.
Comment: Has not been previously published as pathogenic or benign to our knowledge; Not observed at significant frequency in large population cohorts (gnomAD); In silico analysis supports that this missense variant has a deleterious effect on protein structure/function.

Labcorp Genetics (formerly Invitae), Labcorp
Classification: Uncertain significance. Last evaluated: 2023-12-06. Review status: criteria provided, single submitter. Criteria: Invitae Variant Classification Sherloc (09022015). Collection method: clinical testing. Allele origin: germline.
Comment: This sequence change replaces lysine, which is basic and polar, with arginine, which is basic and polar, at codon 319 of the KIF2A protein (p.Lys319Arg). This variant is not present in population databases (gnomAD no frequency). This variant has not been reported in the literature in individuals affected with KIF2A-related conditions. ClinVar contains an entry for this variant (Variation ID: 2115385). An algorithm developed to predict the effect of missense changes on protein structure and function (PolyPhen-2) suggests that this variant is likely to be tolerated. In summary, the available evidence is currently insufficient to determine the role of this variant in disease. Therefore, it has been classified as a Variant of Uncertain Significance.

NM_001098511.3(KIF2A):c.956A>G (p.Lys319Arg)

Gene: KIF2A (kinesin family member 2A; plus strand). Cytogenetic location: 5q12.1.
Variant type: single nucleotide variant.
Coding change: c.956A>G on transcript NM_001098511.3 (MANE Select); coding-DNA position 956, A replaced by G.
Protein change: p.Lys319Arg; replaces lysine 319 with arginine.
Molecular consequence: missense variant.
Genome position (GRCh38, 1-based): chr5:62,361,325, A>G. VCF-style: chr5-62361325-A-G. GRCh37 (hg19) VCF-style: chr5-61657152-A-G.
Other names: NM_001098511.3(KIF2A):c.956A>G; p.Lys319Arg; c.956A>G (NM_001098511.2); c.875A>G, p.Lys292Arg (NM_001243952.2); c.899A>G, p.Lys300Arg (NM_001243953.2); c.956A>G, p.Lys319Arg (NM_004520.5); short protein forms K292R, K319R, K300R.
Identifiers: ClinVar variation 2115385 (VCV002115385.7), dbSNP rs2531351639, ClinGen allele CA359950442.